The following is an entry in ClinVar:

NM_006231.4(POLE):c.3875G>C (p.Arg1292Thr)

Gene: POLE (DNA polymerase epsilon, catalytic subunit; minus strand). Cytogenetic location: 12q24.33.
Variant type: single nucleotide variant.
Coding change: c.3875G>C on transcript NM_006231.4 (MANE Select); coding-DNA position 3875, G replaced by C.
Protein change: p.Arg1292Thr; replaces arginine 1292 with threonine.
Molecular consequence: missense variant.
Genome position (GRCh38, 1-based): chr12:132,649,436, C>G on the plus strand (G>C on the coding strand, the complement: POLE is on the minus strand). VCF-style: chr12-132649436-C-G. GRCh37 (hg19) VCF-style: chr12-133226022-C-G.
Other names: short protein forms R1292T.
Identifiers: ClinVar variation 839908 (VCV000839908.9), dbSNP rs2042367547, ClinGen allele CA387385309.
Genomic context (GRCh38, chr12:132,649,436, plus strand): 5'-GCAGGACCATCCCGGATGGCCCCGGGCCTGAGCACACCCTCTGCCGACTCCAGACGCTGC[C>G]TCTTCCTGCGGGCGAGGCGCTGCCGGGCCTGCAGCTGCCACTTCTTCTTGTGGAACCGGA-3'
Protein context (NP_006222.2, residues 1282-1302): QARQRLARRK[Arg1292Thr]QRLESAEGVL

ClinVar aggregate classification (germline): Uncertain significance (1 of 4 stars; one submission).

Allele frequency attached by ClinVar (database versions not stated): TOPMed 0.00001.

Submission:

Labcorp Genetics (formerly Invitae), Labcorp
Classification: Uncertain significance. Last evaluated: 2025-06-23. Review status: criteria provided, single submitter. Criteria: Invitae Variant Classification Sherloc (09022015). Collection method: clinical testing. Allele origin: germline.
Comment: This sequence change replaces arginine, which is basic and polar, with threonine, which is neutral and polar, at codon 1292 of the POLE protein (p.Arg1292Thr). This variant is not present in population databases (gnomAD no frequency). This variant has not been reported in the literature in individuals affected with POLE-related conditions. ClinVar contains an entry for this variant (Variation ID: 839908). An algorithm developed to predict the effect of missense changes on protein structure and function (PolyPhen-2) suggests that this variant is likely to be tolerated. In summary, the available evidence is currently insufficient to determine the role of this variant in disease. Therefore, it has been classified as a Variant of Uncertain Significance.